The following is an entry in ClinVar:

NM_000138.5(FBN1):c.6886C>T (p.Gln2296Ter)

Gene: FBN1 (fibrillin 1; minus strand). Cytogenetic location: 15q21.1.
Variant type: single nucleotide variant.
Coding change: c.6886C>T on transcript NM_000138.5 (MANE Select); coding-DNA position 6886, C replaced by T.
Protein change: p.Gln2296Ter; replaces glutamine 2296 with a stop codon.
Molecular consequence: nonsense.
Genome position (GRCh38, 1-based): chr15:48,428,457, G>A on the plus strand (C>T on the coding strand, the complement: FBN1 is on the minus strand). VCF-style: chr15-48428457-G-A. GRCh37 (hg19) VCF-style: chr15-48720654-G-A.
Other names: short protein forms Q2296*.
Identifiers: ClinVar variation 177938 (VCV000177938.4), dbSNP rs727504410, ClinGen allele CA016813.

ClinVar aggregate classification (germline): Pathogenic (1 of 4 stars; one submission).

Conditions:
Marfan syndrome (MFS). Also called: Marfan syndrome, classic; FBN1-Related Marfan Syndrome; Marfan syndrome type 1; Marfan's syndrome; MARFAN SYNDROME, TYPE I. Identifiers: Orphanet 284963, Orphanet 558, MedGen C0024796, MONDO:0007947, OMIM 154700.

Submission:

Laboratory for Molecular Medicine, Mass General Brigham Personalized Medicine
Classification: Pathogenic for Marfan syndrome. Last evaluated: 2016-01-29. Review status: criteria provided, single submitter. Criteria: LMM Criteria. Collection method: clinical testing. Allele origin: germline. Inheritance: Autosomal dominant inheritance. Observed: 1 variant allele.
Comment: proposed classification - variant undergoing re-assessment, contact laboratory

Literature cited by the submitters: PubMed 24793577.